The following is an entry in ClinVar:

ClinVar aggregate classification (germline): Uncertain significance. Review status: criteria provided, single submitter (1 of 4 stars). 2 submissions from 2 submitters: Uncertain significance (1). 1 of the submissions does not count toward it. Last evaluated 2021-09-01.

Conditions:
MHC class II deficiency. Also called: Bare lymphocyte syndrome 2; BLS, TYPE II. Identifiers: Orphanet 572, MedGen C5447452, MONDO:0008855.

Allele frequency attached by ClinVar (database versions not stated): TOPMed 0.00001; gnomAD exomes 0.00002; ExAC 0.00003.
gnomAD v4.1: 42 of 1,611,222 alleles (0.0026%); highest among the groups gnomAD compares: Admixed American, 0.0033%; no homozygotes.

Submissions (2):

Labcorp Genetics (formerly Invitae), Labcorp
Classification: Uncertain significance for MHC class II deficiency. Last evaluated: 2021-09-01. Review status: criteria provided, single submitter. Criteria: Invitae Variant Classification Sherloc (09022015). Collection method: clinical testing. Allele origin: germline.
Comment: This sequence change replaces histidine with tyrosine at codon 846 of the CIITA protein (p.His846Tyr). The histidine residue is weakly conserved and there is a moderate physicochemical difference between histidine and tyrosine. This variant is present in population databases (rs769472311, ExAC 0.009%). This variant has not been reported in the literature in individuals affected with CIITA-related conditions. Algorithms developed to predict the effect of missense changes on protein structure and function output the following: SIFT: "Tolerated"; PolyPhen-2: "Benign"; Align-GVGD: "Class C0". The tyrosine amino acid residue is found in multiple mammalian species, which suggests that this missense change does not adversely affect protein function. In summary, the available evidence is currently insufficient to determine the role of this variant in disease. Therefore, it has been classified as a Variant of Uncertain Significance.

Natera, Inc.
Classification: Uncertain significance for Bare lymphocyte syndrome type II. Last evaluated: 2020-09-16. Review status: no assertion criteria provided. Collection method: clinical testing. Allele origin: germline. Not counted in ClinVar's aggregate classification.

NM_000246.4(CIITA):c.2536C>T (p.His846Tyr)

Gene: CIITA (class II major histocompatibility complex transactivator; plus strand). Cytogenetic location: 16p13.13.
Variant type: single nucleotide variant.
Coding change: c.2536C>T on transcript NM_000246.4 (MANE Select); coding-DNA position 2536, C replaced by T.
Protein change: p.His846Tyr; replaces histidine 846 with tyrosine.
Molecular consequence: missense variant. On other transcripts: intron variant (1).
Genome position (GRCh38, 1-based): chr16:10,908,028, C>T. VCF-style: chr16-10908028-C-T. GRCh37 (hg19) VCF-style: chr16-11001885-C-T.
Other names: c.2539C>T, p.His847Tyr (NM_001286402.1, NM_001379332.1); c.2392C>T, p.His798Tyr (NM_001379330.1); c.2389C>T, p.His797Tyr (NM_001379331.1); c.2536C>T, p.His846Tyr (NM_001379333.1); c.2467C>T, p.His823Tyr (NM_001379334.1); c.860-955C>T (NM_001286403.2); short protein forms H846Y, H847Y, H797Y, H798Y, H823Y.
Identifiers: ClinVar variation 856432 (VCV000856432.8), dbSNP rs769472311, ClinGen allele CA7900399.